The following is an entry in ClinVar:

ClinVar aggregate classification (germline): Pathogenic (1 of 4 stars; one submission).

Submission:

ISCA site 17
Classification: Pathogenic. Last evaluated: 2011-08-12. Review status: criteria provided, single submitter. Criteria: Kaminsky et al. (Genet Med. 2011). Collection method: clinical testing. Allele origin: unknown. Affected: yes. Observed: 1 variant allele.
Comment: Copy number variation identified through the course of routine clinical cytogenomic testing in postnatal populations. Clinical assertions have been curated as described in Kaminsky et al. 2011.

GRCh38/hg38 3p26.3-25.3(chr3:52266-8582037)x1

Genes: ARL8B (ARF like GTPase 8B; plus strand), BHLHE40 (basic helix-loop-helix family member e40; plus strand), BHLHE40-AS1 (BHLHE40 antisense RNA 1; minus strand), BRRIAR (BHLHE40 and RIG-I regulating ITPR1 antisense RNA; minus strand), CHL1 (cell adhesion molecule L1 like; plus strand) and 142 more. Cytogenetic location: 3p26.3-25.3.
Variant type: copy number loss.
Change: copy number 1 (one copy instead of two) of chr3:52,266-8,582,037 (8.53 Mb, GRCh38 coordinates, 1-based), cytogenetic band 3p26.3-25.3.
Identifiers: ClinVar variation 57734 (VCV000057734.1).